The following is an entry in ClinVar:

ClinVar aggregate classification (germline): Uncertain significance. Review status: criteria provided, multiple submitters, no conflicts (2 of 4 stars). 2 submissions from 2 submitters: Uncertain significance (2). Last evaluated 2026-02-26.

Conditions:
Oculodentodigital dysplasia, autosomal recessive. Also called: OCULODENTOOSSEOUS DYSPLASIA, AUTOSOMAL RECESSIVE; ODDD, AUTOSOMAL RECESSIVE; ODOD, AUTOSOMAL RECESSIVE. Identifiers: Orphanet 2710, MedGen C2749477, MONDO:0009768, OMIM 257850.

Submissions (2):

GeneDx
Classification: Uncertain significance. Last evaluated: 2026-02-26. Review status: criteria provided, single submitter. Criteria: GeneDx Variant Classification Process June 2021. Collection method: clinical testing. Allele origin: germline.
Comment: Not observed at significant frequency in large population cohorts (gnomAD); In silico analysis supports that this missense variant has a deleterious effect on protein structure/function; Has not been previously published as pathogenic or benign to our knowledge

Labcorp Genetics (formerly Invitae), Labcorp
Classification: Uncertain significance for Oculodentodigital dysplasia, autosomal recessive. Last evaluated: 2017-12-24. Review status: criteria provided, single submitter. Criteria: Invitae Variant Classification Sherloc (09022015). Collection method: clinical testing. Allele origin: germline.
Comment: In summary, the available evidence is currently insufficient to determine the role of this variant in disease. Therefore, it has been classified as a Variant of Uncertain Significance. Algorithms developed to predict the effect of missense changes on protein structure and function do not agree on the potential impact of this missense change (SIFT: "Deleterious"; PolyPhen-2: "Benign"; Align-GVGD: "Class C35"). This variant has not been reported in the literature in individuals with GJA1-related disease. This variant is not present in population databases (ExAC no frequency). This sequence change replaces valine with glutamic acid at codon 99 of the GJA1 protein (p.Val99Glu). The valine residue is moderately conserved and there is a moderate physicochemical difference between valine and glutamic acid.

NM_000165.5(GJA1):c.296T>A (p.Val99Glu)

Gene: GJA1 (gap junction protein alpha 1; plus strand). Cytogenetic location: 6q22.31.
Variant type: single nucleotide variant.
Coding change: c.296T>A on transcript NM_000165.5 (MANE Select); coding-DNA position 296, T replaced by A.
Protein change: p.Val99Glu; replaces valine 99 with glutamic acid.
Molecular consequence: missense variant.
Genome position (GRCh38, 1-based): chr6:121,447,143, T>A. VCF-style: chr6-121447143-T-A. GRCh37 (hg19) VCF-style: chr6-121768289-T-A.
Other names: c.296T>A (NM_000165.3); short protein forms V99E.
Identifiers: ClinVar variation 470214 (VCV000470214.8), dbSNP rs1554201009, ClinGen allele CA365558586.